The following is an entry in ClinVar:

ClinVar aggregate classification (germline): Uncertain significance. Review status: criteria provided, multiple submitters, no conflicts (2 of 4 stars). 7 submissions from 7 submitters: Uncertain significance (7). Last evaluated 2026-05-17.

Conditions:
Cardiomyopathy (CMYO). Also called: Cardiomyopathies. Identifiers: Orphanet 167848, MedGen C0878544, MONDO:0004994, HP:0001638. Inheritance: Various modes of inheritance.
Dilated cardiomyopathy 1W (CMD1W). Identifiers: Orphanet 154, MedGen C1969639, MONDO:0012667, OMIM 611407.
Hypertrophic cardiomyopathy 15. Identifiers: MedGen C2750459, MONDO:0013200, OMIM 613255.
VCL-related disorder. Also called: VCL-related condition.
Cardiovascular phenotype. Identifiers: MedGen CN230736.

Allele frequency attached by ClinVar (database versions not stated): ExAC 0.00001; gnomAD exomes 0.00001; gnomAD 0.00003; TOPMed 0.00007; 1000 Genomes Project 30x 0.00016; 1000 Genomes Project 0.00020.
gnomAD v4.1: 9 of 1,614,026 alleles (0.00056%); highest among the groups gnomAD compares: African/African-American, 0.012%; no homozygotes.

Submissions (7):

PreventionGenetics, part of Exact Sciences
Classification: Uncertain significance for VCL-related condition. Last evaluated: 2026-05-17. Review status: criteria provided, single submitter. Criteria: ACMG Guidelines, 2015. Collection method: clinical testing. Allele origin: germline.
Comment: The VCL c.1039C>T variant is predicted to result in the amino acid substitution p.Pro347Ser. To our knowledge, this variant has not been reported in the literature. This variant is reported in 0.024% of alleles in individuals of African descent in gnomAD. At this time, the clinical significance of this variant is uncertain due to the absence of conclusive functional and genetic evidence.

Labcorp Genetics (formerly Invitae), Labcorp
Classification: Uncertain significance for Dilated cardiomyopathy 1W. Last evaluated: 2025-12-09. Review status: criteria provided, single submitter. Criteria: Invitae Variant Classification Sherloc (09022015). Collection method: clinical testing. Allele origin: germline.
Comment: This sequence change replaces proline, which is neutral and non-polar, with serine, which is neutral and polar, at codon 347 of the VCL protein (p.Pro347Ser). This variant is present in population databases (rs566961713, gnomAD 0.02%). This variant has not been reported in the literature in individuals affected with VCL-related conditions. ClinVar contains an entry for this variant (Variation ID: 657948). An algorithm developed to predict the effect of missense changes on protein structure and function (PolyPhen-2) suggests that this variant is likely to be disruptive. In summary, the available evidence is currently insufficient to determine the role of this variant in disease. Therefore, it has been classified as a Variant of Uncertain Significance.

Mayo Clinic Laboratories, Mayo Clinic
Classification: Uncertain significance. Last evaluated: 2024-04-19. Review status: criteria provided, single submitter. Criteria: ACMG Guidelines, 2015. Collection method: clinical testing. Allele origin: germline. Observed: 1 variant allele.

Ambry Genetics
Classification: Uncertain significance for Cardiovascular phenotype. Last evaluated: 2023-07-10. Review status: criteria provided, single submitter. Criteria: Ambry Variant Classification Scheme 2023. Collection method: clinical testing. Allele origin: germline.
Comment: The p.P347S variant (also known as c.1039C>T), located in coding exon 9 of the VCL gene, results from a C to T substitution at nucleotide position 1039. The proline at codon 347 is replaced by serine, an amino acid with similar properties. This amino acid position is conserved. In addition, the in silico prediction for this alteration is inconclusive. Since supporting evidence is limited at this time, the clinical significance of this alteration remains unclear.

GeneDx
Classification: Uncertain significance. Last evaluated: 2022-12-27. Review status: criteria provided, single submitter. Criteria: GeneDx Variant Classification Process June 2021. Collection method: clinical testing. Allele origin: germline. Affected: yes.
Comment: Has not been previously published as pathogenic or benign to our knowledge; In silico analysis supports that this missense variant does not alter protein structure/function

CHEO Genetics Diagnostic Laboratory, Children's Hospital of Eastern Ontario
Classification: Uncertain significance for Cardiomyopathy. Last evaluated: 2021-09-30. Review status: criteria provided, single submitter. Criteria: ACMG Guidelines, 2015. Collection method: clinical testing. Allele origin: germline.

Fulgent Genetics
Classification: Uncertain significance for Dilated cardiomyopathy 1W; Hypertrophic cardiomyopathy 15. Last evaluated: 2021-09-16. Review status: criteria provided, single submitter. Criteria: ACMG Guidelines, 2015. Collection method: clinical testing. Allele origin: unknown.

NM_014000.3(VCL):c.1039C>T (p.Pro347Ser)

Gene: VCL (vinculin; plus strand). Cytogenetic location: 10q22.2.
Variant type: single nucleotide variant.
Coding change: c.1039C>T on transcript NM_014000.3 (MANE Select); coding-DNA position 1039, C replaced by T.
Protein change: p.Pro347Ser; replaces proline 347 with serine.
Molecular consequence: missense variant.
Genome position (GRCh38, 1-based): chr10:74,089,212, C>T. VCF-style: chr10-74089212-C-T. GRCh37 (hg19) VCF-style: chr10-75848970-C-T.
Other names: p.Pro347Ser; c.1039C>T, p.Pro347Ser (NM_003373.4); short protein forms P347S.
Identifiers: ClinVar variation 657948 (VCV000657948.19), dbSNP rs566961713, ClinGen allele CA5562918.
Genomic context (GRCh38, chr10:74,089,212, plus strand): 5'-GTATTTGAGGGTGTACAATGACAGCATGTGTCTGTTTTGAGCAGAGGACAAGGATCCTCA[C>T]CGGTGGCCATGCAGAAAGCTCAGCAGGTATCTCAGGGTCTGGATGTGCTCACAGCAAAAG-3'
Protein context (NP_054706.1, residues 337-357): DLRARGQGSS[Pro347Ser]VAMQKAQQVS